The following is an entry in ClinVar:

NM_021098.3(CACNA1H):c.5264T>C (p.Leu1755Pro)

Gene: CACNA1H (calcium voltage-gated channel subunit alpha1 H; plus strand). Cytogenetic location: 16p13.3.
Variant type: single nucleotide variant.
Coding change: c.5264T>C on transcript NM_021098.3 (MANE Select); coding-DNA position 5264, T replaced by C.
Protein change: p.Leu1755Pro; replaces leucine 1755 with proline.
Molecular consequence: missense variant.
Genome position (GRCh38, 1-based): chr16:1,216,951, T>C. VCF-style: chr16-1216951-T-C. GRCh37 (hg19) VCF-style: chr16-1266951-T-C.
Other names: c.5246T>C, p.Leu1749Pro (NM_001005407.2); short protein forms L1749P, L1755P.
Identifiers: ClinVar variation 2663358 (VCV002663358.1), dbSNP rs2548725091, ClinGen allele CA394146773.

ClinVar aggregate classification (germline): Uncertain significance (1 of 4 stars; one submission).

Submission:

GeneDx
Classification: Uncertain significance. Last evaluated: 2023-04-28. Review status: criteria provided, single submitter. Criteria: GeneDx Variant Classification Process June 2021. Collection method: clinical testing. Allele origin: germline. Affected: yes.
Comment: Not observed at significant frequency in large population cohorts (gnomAD); In silico analysis supports that this missense variant has a deleterious effect on protein structure/function; Has not been previously published as pathogenic or benign to our knowledge